The following is an entry in ClinVar:

ClinVar aggregate classification (germline): Conflicting classifications of pathogenicity. Review status: criteria provided, conflicting classifications (1 of 4 stars). 2 submissions from 2 submitters: Likely pathogenic (1); Uncertain significance (1). Last evaluated 2023-01-25.

Conditions:
Mitochondrial myopathy-cerebellar ataxia-pigmentary retinopathy syndrome. Also called: MYOPATHY, MITOCHONDRIAL, AND ATAXIA. Identifiers: Orphanet 502423, MedGen C4540096, MONDO:0044714, OMIM 617675.

Allele frequency attached by ClinVar (database versions not stated): gnomAD exomes 0.00001.

Submissions (2):

Broad Center for Mendelian Genomics, Broad Institute of MIT and Harvard
Classification: Uncertain significance for Mitochondrial myopathy-cerebellar ataxia-pigmentary retinopathy syndrome. Last evaluated: 2023-01-25. Review status: criteria provided, single submitter. Criteria: ACMG Guidelines, 2015. Collection method: curation. Allele origin: germline. Inheritance: Autosomal recessive inheritance.
Comment: Trio exome analysis revealed that this variant was in trans with another variant of uncertain significance (ClinVar Variation ID: 590277). The p.Pro479Ser variant in MSTO1 has been previously reported in one individual with autosomal recessive MSTO1-related muscular dystrophy (PMID: 31130378). This variant was absent from large population studies. This variant has also been reported in ClinVar (Variation ID:1691765) and has been interpreted as likely pathogenic by GeneDx. Computational prediction tools and conservation analyses do not provide strong support for or against an impact to the protein. In summary, the clinical significance of the p.Pro479Ser variant is uncertain. ACMG/AMP Criteria applied: PM2_Supporting, PM3_Supporting (Richards 2015).

GeneDx
Classification: Likely pathogenic. Last evaluated: 2022-06-17. Review status: criteria provided, single submitter. Criteria: GeneDx Variant Classification Process June 2021. Collection method: clinical testing. Allele origin: germline. Affected: yes.
Comment: Not observed in large population cohorts (gnomAD); In silico analysis supports that this missense variant has a deleterious effect on protein structure/function; This variant is associated with the following publications: (PMID: 31130378)

NM_018116.4(MSTO1):c.1435C>T (p.Pro479Ser)

Gene: MSTO1 (misato mitochondrial distribution and morphology regulator 1; plus strand). Cytogenetic location: 1q22.
Variant type: single nucleotide variant.
Coding change: c.1435C>T on transcript NM_018116.4 (MANE Select); coding-DNA position 1435, C replaced by T.
Protein change: p.Pro479Ser; replaces proline 479 with serine.
Molecular consequence: missense variant. On other transcripts: non-coding transcript variant (6).
Genome position (GRCh38, 1-based): chr1:155,613,703, C>T. VCF-style: chr1-155613703-C-T. GRCh37 (hg19) VCF-style: chr1-155583494-C-T.
Other names: NM_018116.4(MSTO1):c.1435C>T; p.Pro479Ser; c.1435C>T, p.Pro479Ser (NM_001256532.1, NM_001256533.1, NM_001350772.1 and 1 more transcripts); c.1472C>T, p.Pro491Leu (NM_001350773.1, NM_001350774.1); c.1270C>T, p.Pro424Ser (NM_001350776.1); c.904C>T, p.Pro302Ser (NM_001350777.1, NM_001350778.1, NM_001350779.1); c.901C>T, p.Pro301Ser (NM_001350780.1, NM_001350781.1, NM_001350782.1 and 2 more transcripts); c.892C>T, p.Pro298Ser (NM_001350784.1, NM_001350785.1, NM_001350787.1 and 1 more transcripts); and 1 more; short protein forms P298S, P301S, P302S, P313L, P424S, P479S, P491L.
Identifiers: ClinVar variation 1691765 (VCV001691765.4), dbSNP rs1674934230, ClinGen allele CA342760350.
Genomic context (GRCh38, chr1:155,613,703, plus strand): 5'-CTCTGCCCCCACAGTTCTTCCCATCTGCTGCTGACTCCCTGCAGGGTGGCTCCTCCTTAC[C>T]CCCACCTCTTCTCAAGCTGCAGTCCACCGGGTATGGTTCTGGATGGTTCCCCCAAGGGAG-3'
Protein context (NP_060586.2, residues 469-489): LTPCRVAPPY[Pro479Ser]HLFSSCSPPG